The following is an entry in ClinVar:

ClinVar aggregate classification (germline): Uncertain significance (1 of 4 stars; one submission).

Submission:

GeneDx
Classification: Uncertain significance. Last evaluated: 2021-04-27. Review status: criteria provided, single submitter. Criteria: GeneDx Variant Classification Process June 2021. Collection method: clinical testing. Allele origin: germline. Affected: yes.
Comment: Not observed in large population cohorts (Lek et al., 2016); In silico analysis supports that this missense variant has a deleterious effect on protein structure/function; Has not been previously published as pathogenic or benign to our knowledge

NM_006005.3(WFS1):c.920C>A (p.Ala307Asp)

Gene: WFS1 (wolframin ER transmembrane glycoprotein; plus strand). Cytogenetic location: 4p16.1.
Variant type: single nucleotide variant.
Coding change: c.920C>A on transcript NM_006005.3 (MANE Select); coding-DNA position 920, C replaced by A.
Protein change: p.Ala307Asp; replaces alanine 307 with aspartic acid.
Molecular consequence: missense variant.
Genome position (GRCh38, 1-based): chr4:6,300,715, C>A. VCF-style: chr4-6300715-C-A. GRCh37 (hg19) VCF-style: chr4-6302442-C-A.
Other names: c.920C>A, p.Ala307Asp (NM_001145853.1); short protein forms A307D.
Identifiers: ClinVar variation 1320779 (VCV001320779.2), dbSNP rs371645500, ClinGen allele CA356173890.
Genomic context (GRCh38, chr4:6,300,715, plus strand): 5'-AGGTGGTCAAGTACCCCCTGCACGCCATCATGGAGATCAAGGAGTACCTGATTGACATGG[C>A]CTCCAGGGCAGGCATGCACTGGCTGTCCACCATCATCCCCACGCACCACATCAACGCGCT-3'
Protein context (NP_005996.2, residues 297-317): MEIKEYLIDM[Ala307Asp]SRAGMHWLST